The following is an entry in ClinVar:

NM_000218.3(KCNQ1):c.192_221del (p.Ala65_Pro74del)

Gene: KCNQ1 (potassium voltage-gated channel subfamily Q member 1; plus strand). Cytogenetic location: 11p15.5.
Variant type: Deletion.
Coding change: c.192_221del on transcript NM_000218.3 (MANE Select); coding-DNA positions 192 to 221, 30 bases deleted (TGCGTCCCCGGCCGCGCCCGCCGCGCCCCC).
Protein change: p.Ala65_Pro74del.
Molecular consequence: inframe deletion.
Genome position (GRCh38, 1-based): chr11:2,445,290-2,445,319, TGCGTCCCCGGCCGCGCCCGCCGCGCCCCC deleted; deleting any 30 consecutive bases within chr11:2,445,280-2,445,319 gives the same sequence; the c. name uses the placement nearest the transcript's 3' end. VCF-style (leftmost placement, unchanged base first): chr11-2445279-CCCGCGCCCCCTGCGTCCCCGGCCGCGCCCG-C. GRCh37 (hg19) VCF-style: chr11-2466509-CCCGCGCCCCCTGCGTCCCCGGCCGCGCCCG-C.
Other names: c.192_221del30 (NM_000218.2).
Identifiers: ClinVar variation 504457 (VCV000504457.4), dbSNP rs781335353, ClinGen allele CA033260.

ClinVar aggregate classification (germline): Uncertain significance. Review status: criteria provided, multiple submitters, no conflicts (2 of 4 stars). 2 submissions from 2 submitters: Uncertain significance (2). Last evaluated 2018-03-05.

Conditions:
Cardiovascular phenotype. Identifiers: MedGen CN230736.

Submissions (2):

GeneDx
Classification: Uncertain significance. Last evaluated: 2018-03-05. Review status: criteria provided, single submitter. Criteria: GeneDx Variant Classification (06012015). Collection method: clinical testing. Allele origin: germline. Affected: yes.
Comment: The c.192_221del30 variant of uncertain significance in the KCNQ1 gene has not been published as pathogenic or been reported as benign to our knowledge. As this variant is an in-frame deletion of 10 amino acids, it is not expected to result in an abnormal, truncated protein product or loss of protein from this allele through nonsense-mediated mRNA decay. While other in-frame deletions in the KCNQ1 gene have been reported in the Human Gene Mutation Database in association with LQTS (Stenson et al., 2014), the pathogenicity of each of those variants has not been definitively determined. Finally, the c.192_221del30 variant was observed in 5/1,872 (0.3%) alleles from individuals of South Asian ancestry in large population cohorts (Lek et al., 2016).

Ambry Genetics
Classification: Uncertain significance for Cardiovascular phenotype. Last evaluated: 2017-12-26. Review status: criteria provided, single submitter. Criteria: Ambry Variant Classification Scheme 2023. Collection method: clinical testing. Allele origin: germline.
Comment: The c.192_221del30 variant (also known as p.A65_P74del) is located in coding exon 1 of the KCNQ1 gene. This variant results from an in-frame deletion of 30 nucleotides at positions 192 to 221. This results in the deletion of ten amino acids between codons 65 and 74. Based on data from gnomAD, the 30 nucleotide deletion has an overall frequency of approximately 0.04% (5/11526) total alleles studied. The highest observed frequency was 0.27% (5/1872) of South Asian alleles; however, sequencing coverage was low. Since supporting evidence is limited at this time, the clinical significance of this alteration remains unclear.

Literature cited by the submitters: PubMed 10511610 (cited by Ambry Genetics).